The following is an entry in ClinVar:

ClinVar aggregate classification (germline): Uncertain significance (1 of 4 stars; one submission).

Conditions:
Lethal multiple pterygium syndrome (LMPS). Identifiers: Orphanet 33108, MedGen C1854678, MONDO:0009668, OMIM 253290.

Submission:

Labcorp Genetics (formerly Invitae), Labcorp
Classification: Uncertain significance for Lethal multiple pterygium syndrome. Last evaluated: 2025-10-02. Review status: criteria provided, single submitter. Criteria: Invitae Variant Classification Sherloc (09022015). Collection method: clinical testing. Allele origin: germline.
Comment: This sequence change replaces proline, which is neutral and non-polar, with arginine, which is basic and polar, at codon 479 of the CHRND protein (p.Pro479Arg). This variant is not present in population databases (gnomAD no frequency). This variant has not been reported in the literature in individuals affected with CHRND-related conditions. ClinVar contains an entry for this variant (Variation ID: 2799130). Invitae Evidence Modeling of protein sequence and biophysical properties (such as structural, functional, and spatial information, amino acid conservation, physicochemical variation, residue mobility, and thermodynamic stability) indicates that this missense variant is expected to disrupt CHRND protein function with a positive predictive value of 95%. In summary, the available evidence is currently insufficient to determine the role of this variant in disease. Therefore, it has been classified as a Variant of Uncertain Significance.

NM_000751.3(CHRND):c.1436C>G (p.Pro479Arg)

Gene: CHRND (cholinergic receptor nicotinic delta subunit; plus strand). Cytogenetic location: 2q37.1.
Variant type: single nucleotide variant.
Coding change: c.1436C>G on transcript NM_000751.3 (MANE Select); coding-DNA position 1436, C replaced by G.
Protein change: p.Pro479Arg; replaces proline 479 with arginine.
Molecular consequence: missense variant.
Genome position (GRCh38, 1-based): chr2:232,535,194, C>G. VCF-style: chr2-232535194-C-G. GRCh37 (hg19) VCF-style: chr2-233399904-C-G.
Other names: c.854C>G, p.Pro285Arg (NM_001311195.2); c.1133C>G, p.Pro378Arg (NM_001311196.2); c.1391C>G, p.Pro464Arg (NM_001256657.2); short protein forms P285R, P378R, P479R, P464R.
Identifiers: ClinVar variation 2799130 (VCV002799130.3), dbSNP rs2469737528, ClinGen allele CA351006013.